The following is an entry in ClinVar:

ClinVar aggregate classification (germline): Uncertain significance (1 of 4 stars; one submission).

Allele frequency attached by ClinVar (database versions not stated): gnomAD exomes 0.00002; ExAC 0.00008.
gnomAD v4.1: 35 of 1,611,194 alleles (0.0022%); highest among the groups gnomAD compares: Non-Finnish European, 0.0025%; no homozygotes.

Submission:

Labcorp Genetics (formerly Invitae), Labcorp
Classification: Uncertain significance. Last evaluated: 2022-06-22. Review status: criteria provided, single submitter. Criteria: Invitae Variant Classification Sherloc (09022015). Collection method: clinical testing. Allele origin: germline.
Comment: In summary, the available evidence is currently insufficient to determine the role of this variant in disease. Therefore, it has been classified as a Variant of Uncertain Significance. Algorithms developed to predict the effect of missense changes on protein structure and function (SIFT, PolyPhen-2, Align-GVGD) all suggest that this variant is likely to be tolerated. This variant has not been reported in the literature in individuals affected with MRPS22-related conditions. This variant is present in population databases (rs757392815, gnomAD 0.009%). This sequence change replaces arginine, which is basic and polar, with leucine, which is neutral and non-polar, at codon 50 of the MRPS22 protein (p.Arg50Leu).

NM_020191.4(MRPS22):c.149G>T (p.Arg50Leu)

Genes: MRPS22 (mitochondrial ribosomal protein S22; plus strand), LOC112903839 (Sharpr-MPRA regulatory region 3993; plus strand). Cytogenetic location: 3q23.
Variant type: single nucleotide variant.
Coding change: c.149G>T on transcript NM_020191.4 (MANE Select); coding-DNA position 149, G replaced by T.
Protein change: p.Arg50Leu; replaces arginine 50 with leucine.
Molecular consequence: missense variant.
Genome position (GRCh38, 1-based): chr3:139,344,175, G>T. VCF-style: chr3-139344175-G-T. GRCh37 (hg19) VCF-style: chr3-139063017-G-T.
Other names: c.149G>T, p.Arg50Leu (NM_001363893.1); short protein forms R50L.
Identifiers: ClinVar variation 1941884 (VCV001941884.5), dbSNP rs757392815, ClinGen allele CA2640622.